The following is an entry in ClinVar:

NM_004304.5(ALK):c.2072G>T (p.Ser691Ile)

Gene: ALK (ALK receptor tyrosine kinase; minus strand). Cytogenetic location: 2p23.2.
Variant type: single nucleotide variant.
Coding change: c.2072G>T on transcript NM_004304.5 (MANE Select); coding-DNA position 2072, G replaced by T.
Protein change: p.Ser691Ile; replaces serine 691 with isoleucine.
Molecular consequence: missense variant.
Genome position (GRCh38, 1-based): chr2:29,251,237, C>A on the plus strand (G>T on the coding strand, the complement: ALK is on the minus strand). VCF-style: chr2-29251237-C-A. GRCh37 (hg19) VCF-style: chr2-29474103-C-A.
Other names: short protein forms S691I.
Identifiers: ClinVar variation 3855805 (VCV003855805.1).

ClinVar aggregate classification (germline): Uncertain significance (1 of 4 stars; one submission).

Conditions:
Hereditary cancer-predisposing syndrome. Also called: Hereditary neoplastic syndrome; Neoplastic Syndromes, Hereditary; Tumor predisposition; Hereditary Cancer Syndrome. Identifiers: Orphanet 140162, MedGen C0027672, MeSH D009386, MONDO:0015356.

Submission:

Ambry Genetics
Classification: Uncertain significance for Hereditary cancer-predisposing syndrome. Last evaluated: 2025-02-15. Review status: criteria provided, single submitter. Criteria: Ambry Variant Classification Scheme 2023. Collection method: clinical testing. Allele origin: germline.
Comment: The p.S691I variant (also known as c.2072G>T), located in coding exon 12 of the ALK gene, results from a G to T substitution at nucleotide position 2072. The serine at codon 691 is replaced by isoleucine, an amino acid with dissimilar properties. This amino acid position is conserved. In addition, this alteration is predicted to be deleterious by in silico analysis. Based on the available evidence, the clinical significance of this variant remains unclear.